The following is an entry in ClinVar:

ClinVar aggregate classification (germline): Conflicting classifications of pathogenicity. Review status: criteria provided, conflicting classifications (1 of 4 stars). 32 submissions from 31 submitters: Pathogenic (15); Likely pathogenic (10); Uncertain significance (5). 2 of the submissions do not count toward it. Last evaluated 2026-07-13.

Conditions:
Fetal anomalies with a likely genetic cause.
Alpha-N-acetylgalactosaminidase deficiency. Identifiers: Orphanet 3137, MedGen C5848084, MONDO:0017779.
NAGA-related disorder. Also called: NAGA-related disorders; NAGA-related condition. Identifiers: MedGen CN378768.
Inborn genetic diseases. Identifiers: MedGen C0950123, MeSH D030342.
Alpha-N-acetylgalactosaminidase deficiency type 2. Also called: NAGA DEFICIENCY, TYPE II; SCHINDLER DISEASE, TYPE II; ALPHA-N-ACETYLGALACTOSAMINIDASE DEFICIENCY, TYPE II. Identifiers: Orphanet 3137, Orphanet 79280, MedGen C1836522, MONDO:0012222, OMIM 609242.
Alpha-N-acetylgalactosaminidase deficiency type 1. Also called: NAGA DEFICIENCY, TYPE I; NEUROAXONAL DYSTROPHY, SCHINDLER TYPE; SCHINDLER DISEASE, TYPE I; ALPHA-N-ACETYLGALACTOSAMINIDASE DEFICIENCY, TYPE I. Identifiers: Orphanet 3137, Orphanet 79279, Orphanet 79281, MedGen C1836544, MONDO:0012221, OMIM 609241.
Intellectual disability. Also called: Intellectual functioning disability; intellectual disabilities; Intellectual developmental disorder. Identifiers: MedGen C3714756, MeSH D008607, MONDO:0001071, HP:0001249.

Allele frequency attached by ClinVar (database versions not stated): 1000 Genomes Project 30x 0.00047; gnomAD 0.00219 and 0.00225; TOPMed 0.00223; gnomAD exomes 0.00247; ExAC 0.00252; 1000 Genomes Project 0.00040.
gnomAD v4.1: 5,890 of 1,614,138 alleles (0.36%); highest among the groups gnomAD compares: Non-Finnish European, 0.45%; 12 homozygotes.

Submissions 1 to 14 of 32:

Genetics Laboratory, Great Ormond Street Hospital NHS Foundation Trust, North Thames Genomic Laboratory Hub
Classification: Uncertain significance for Fetal anomalies with a likely genetic cause. Last evaluated: 2026-07-13. Review status: criteria provided, single submitter. Criteria: ACGS Best Practice Guidelines for Variant Classification in Rare Disease 2024 v1.2. Collection method: clinical testing. Allele origin: germline. Affected: yes.
Comment: PS4_moderate, PP3_supporting, PS3_moderate

Labcorp Genetics (formerly Invitae), Labcorp
Classification: Pathogenic for Alpha-N-acetylgalactosaminidase deficiency type 1. Last evaluated: 2026-02-01. Review status: criteria provided, single submitter. Criteria: Invitae Variant Classification Sherloc (09022015). Collection method: clinical testing. Allele origin: germline.
Comment: This sequence change replaces glutamic acid, which is acidic and polar, with lysine, which is basic and polar, at codon 325 of the NAGA protein (p.Glu325Lys). This variant is present in population databases (rs121434529, gnomAD 0.4%), and has an allele count higher than expected for a pathogenic variant. This missense change has been observed in individual(s) with alpha-N-acetylgalactosaminidase (alpha-NAGA) deficiency (PMID: 1131374, 7707696, 8040340, 8071745). It has also been observed to segregate with disease in related individuals. ClinVar contains an entry for this variant (Variation ID: 18162). Invitae Evidence Modeling of protein sequence and biophysical properties (such as structural, functional, and spatial information, amino acid conservation, physicochemical variation, residue mobility, and thermodynamic stability) indicates that this missense variant is not expected to disrupt NAGA protein function with a negative predictive value of 80%. Experimental studies have shown that this missense change affects NAGA function (PMID: 2243144, 8782044, 11313741). For these reasons, this variant has been classified as Pathogenic.

3billion
Classification: Likely pathogenic for NAGA-related disorder. Last evaluated: 2025-10-14. Review status: criteria provided, single submitter. Criteria: ACMG Guidelines, 2015. Collection method: clinical testing. Allele origin: germline. Affected: yes.
Comment: The variant is observed at an extremely low frequency in the gnomAD v4.1.0 dataset (total allele frequency: 0.365%). Predicted Consequence/Location: Missense variant. The majority of the known disease-causing variants of this gene are variants expected to result in premature termination of the protein. In silico tool predictions suggest damaging effect of the variant on gene or gene product [REVEL: 0.80 (>=0.6, sensitivity 0.68 and specificity 0.92)]. The same nucleotide change resulting in the same amino acid change has been previously reported as pathogenic/likely pathogenic with strong evidence (ClinVar ID: VCV000018162 /PMID: 2243144). Therefore, this variant is classified as Likely pathogenic according to the recommendation of ACMG/AMP guideline.

Ambry Genetics
Classification: Pathogenic for Inborn genetic diseases. Last evaluated: 2025-07-09. Review status: criteria provided, single submitter. Criteria: Ambry Variant Classification Scheme 2023. Collection method: clinical testing. Allele origin: germline.
Comment: The c.973G>A (p.E325K) alteration is located in exon 8 (coding exon 8) of the NAGA gene. This alteration results from a G to A substitution at nucleotide position 973, causing the glutamic acid (E) at amino acid position 325 to be replaced by a lysine (K). Based on the available evidence, the NAGA c.973G>A (p.E325K) alteration is classified as pathogenic for NAGA deficiency; however, it is unlikely to be causative of any clinical manifestation. Based on data from gnomAD v4.1.0, the A allele has an overall frequency of 0.365% (5890/1614138) total alleles studied. The highest observed frequency was 0.447% (5271/1180020) of European (non-Finnish) alleles with 10 homozygotes. This variant has been identified in the homozygous state and/or in conjunction with other NAGA variant(s) in individuals and families with alpha-NAGA enzyme deficiency (Bakker, 2001; Keulemans, 1996). Some individuals with this variant have been reported with clinical features consistent with Schindler type I disease; however, it has also been found in asymptomatic individuals and individuals with unrelated phenotypes (Bakker, 2001; Keulemans, 1996; Chab&aacute;s, 2007; Bertoli-Avella, 2021; Kava, 2025; Ambry internal data; external communication). While this variant results in alpha-NAGA enzyme deficiency, it is unlikely that this variant causes a clinical phenotype. This amino acid position is well conserved in available vertebrate species. Functional studies suggest loss of function; however, additional evidence is needed to confirm these findings (Wang, 1990; Wang, 1994). The p.E325K alteration is predicted to be deleterious by in silico analysis. Based on the available evidence, this alteration is classified as pathogenic.

First Genomix Gene Laboratory, Genetic Diagnostics Department
Classification: Pathogenic for Alpha-N-acetylgalactosaminidase deficiency type 2; Alpha-N-acetylgalactosaminidase deficiency type 1. Last evaluated: 2025-05-19. Review status: criteria provided, single submitter. Criteria: ACMG Guidelines, 2015. Collection method: clinical testing. Allele origin: germline. Inheritance: Autosomal recessive inheritance. Affected: no. Observed: 1 variant allele.

Laboratory of Genetics, Children's Clinical University Hospital Latvia
Classification: Pathogenic. Last evaluated: 2025-02-16. Review status: criteria provided, single submitter. Criteria: ACMG Guidelines, 2015. Collection method: clinical testing. Allele origin: germline. Affected: yes.

Blueprint Genetics
Classification: Pathogenic for NAGA-related disorders. Last evaluated: 2024-11-28. Review status: criteria provided, single submitter. Criteria: ACMG Guidelines, 2015. Collection method: clinical testing. Allele origin: de novo. Affected: yes. Observed: 5 variant alleles.

Revvity Omics, Revvity
Classification: Likely pathogenic. Last evaluated: 2024-08-22. Review status: criteria provided, single submitter. Criteria: ACMG Guidelines, 2015. Collection method: clinical testing. Allele origin: germline.

Genomic Medicine Center of Excellence, King Faisal Specialist Hospital and Research Centre
Classification: Likely pathogenic for Alpha-N-acetylgalactosaminidase deficiency type 1. Last evaluated: 2024-03-23. Review status: criteria provided, single submitter. Criteria: ACMG Guidelines, 2015. Collection method: clinical testing. Allele origin: germline.

Genomic Medicine Center of Excellence, King Faisal Specialist Hospital and Research Centre
Classification: Likely pathogenic for Alpha-N-acetylgalactosaminidase deficiency type 2. Last evaluated: 2024-03-17. Review status: criteria provided, single submitter. Criteria: ACMG Guidelines, 2015. Collection method: research. Allele origin: germline.

Mendelics
Classification: Pathogenic. Last evaluated: 2023-03-30. Review status: criteria provided, single submitter. Criteria: Mendelics Assertion Criteria 2019. Collection method: clinical testing. Allele origin: germline.

Department of Pathology and Laboratory Medicine, Sinai Health System
Classification: Pathogenic for Alpha-N-acetylgalactosaminidase deficiency type 1. Last evaluated: 2022-11-29. Review status: criteria provided, single submitter. Criteria: ACMG Guidelines, 2015. Collection method: research. Allele origin: germline.

CeGaT Center for Human Genetics Tuebingen
Classification: Likely pathogenic. Last evaluated: 2022-08-01. Review status: criteria provided, single submitter. Criteria: CeGaT Center For Human Genetics Tuebingen Variant Classification Criteria Version 2. Collection method: clinical testing. Allele origin: germline. Affected: yes. Observed: 1 variant allele.
Comment: NAGA: PP1:Strong, PS3:Moderate, PM2:Supporting, PM3:Supporting

Mayo Clinic Laboratories, Mayo Clinic
Classification: Pathogenic. Last evaluated: 2022-04-12. Review status: criteria provided, single submitter. Criteria: ACMG Guidelines, 2015. Collection method: clinical testing. Allele origin: germline. Observed: 5 variant alleles.

NM_000262.3(NAGA):c.973G>A (p.Glu325Lys)

Gene: NAGA (alpha-N-acetylgalactosaminidase; minus strand). Cytogenetic location: 22q13.2.
Variant type: single nucleotide variant.
Coding change: c.973G>A on transcript NM_000262.3 (MANE Select); coding-DNA position 973, G replaced by A.
Protein change: p.Glu325Lys; replaces glutamic acid 325 with lysine.
Molecular consequence: missense variant.
Genome position (GRCh38, 1-based): chr22:42,061,052, C>T on the plus strand (G>A on the coding strand, the complement: NAGA is on the minus strand). VCF-style: chr22-42061052-C-T. GRCh37 (hg19) VCF-style: chr22-42457056-C-T.
Other names: c.973G>A, p.Glu325Lys (NM_001362848.1, NM_001362850.1); short protein forms E325K.
Identifiers: ClinVar variation 18162 (VCV000018162.85), dbSNP rs121434529, ClinGen allele CA127848.